The following is an entry in ClinVar:

NM_025225.3(PNPLA3):c.309G>A (p.Pro103=)

Gene: PNPLA3 (patatin like domain 3, 1-acylglycerol-3-phosphate O-acyltransferase; plus strand). Cytogenetic location: 22q13.31.
Variant type: single nucleotide variant.
Coding change: c.309G>A on transcript NM_025225.3 (MANE Select); coding-DNA position 309, G replaced by A.
Protein change: p.Pro103=; no amino-acid change (proline 103 retained).
Molecular consequence: synonymous variant.
Genome position (GRCh38, 1-based): chr22:43,927,056, G>A. VCF-style: chr22-43927056-G-A. GRCh37 (hg19) VCF-style: chr22-44322936-G-A.
Identifiers: ClinVar variation 341929 (VCV000341929.9), dbSNP rs79118505, ClinGen allele CA10277875.

ClinVar aggregate classification (germline): Benign/Likely benign. Review status: criteria provided, multiple submitters, no conflicts (2 of 4 stars). 3 submissions from 3 submitters: Benign (1); Likely benign (2). Last evaluated 2018-04-04.

Conditions:
NAFLD1 (FLD1). Also called: FATTY LIVER DISEASE, SUSCEPTIBILITY TO, 1; Fatty liver disease, nonalcoholic 1. Identifiers: MedGen C2750440, MONDO:0021105, OMIM 613282.

Allele frequency attached by ClinVar (database versions not stated): gnomAD exomes 0.00104; ExAC 0.00124; gnomAD 0.00338 and 0.00354; ESP Exome Variant Server 0.00354; TOPMed 0.00394; 1000 Genomes Project 0.00479; 1000 Genomes Project 30x 0.00562.
gnomAD v4.1: 1,169 of 1,614,182 alleles (0.072%); highest among the groups gnomAD compares: African/African-American, 1.2%; 6 homozygotes.

Submissions (3):

Labcorp Genetics (formerly Invitae), Labcorp
Classification: Benign. Last evaluated: 2018-04-04. Review status: criteria provided, single submitter. Criteria: Invitae Variant Classification Sherloc (09022015). Collection method: clinical testing. Allele origin: germline.

Illumina Laboratory Services, Illumina
Classification: Likely benign for NAFLD1. Last evaluated: 2018-01-12. Review status: criteria provided, single submitter. Criteria: ICSL Variant Classification Criteria 13 December 2019. Collection method: clinical testing. Allele origin: germline.
Comment: This variant was observed in the ICSL laboratory as part of a predisposition screen in an ostensibly healthy population. It had not been previously curated by ICSL or reported in the Human Gene Mutation Database (HGMD: prior to June 1st, 2018), and was therefore a candidate for classification through an automated scoring system. Utilizing variant allele frequency, disease prevalence and penetrance estimates, and inheritance mode, an automated score was calculated to assess if this variant is too frequent to cause the disease. Based on the score and internal cut-off values, a variant classified as likely benign is not then subjected to further curation. The score for this variant resulted in a classification of likely benign for this disease.

Breakthrough Genomics
Classification: Likely benign. Review status: criteria provided, single submitter. Criteria: ACMG Guidelines, 2015. Collection method: not provided. Allele origin: germline. Inheritance: Unknown mechanism. Affected: yes.